The following is an entry in ClinVar:

ClinVar aggregate classification (germline): Pathogenic/Likely pathogenic. Review status: criteria provided, multiple submitters, no conflicts (2 of 4 stars). 2 submissions from 2 submitters: Pathogenic (1); Likely pathogenic (1). Last evaluated 2023-08-16.

Conditions:
Mucopolysaccharidosis, MPS-III-A (MPS3A). Also called: Mucopolysaccharidosis, type IIIA; MPS IIIA (Sanfilippo Syndrome Type A); MPS III A; SANFILIPPO SYNDROME A; SULFAMIDASE DEFICIENCY; Mucopolysaccharidosis type IIIA (Sanfilippo A). Identifiers: Orphanet 581, Orphanet 79269, MedGen C0086647, MONDO:0009655, OMIM 252900.

Allele frequency attached by ClinVar (database versions not stated): gnomAD exomes below 0.00001.

Submissions (2):

Labcorp Genetics (formerly Invitae), Labcorp
Classification: Pathogenic for Mucopolysaccharidosis, MPS-III-A. Last evaluated: 2023-08-16. Review status: criteria provided, single submitter. Criteria: Invitae Variant Classification Sherloc (09022015). Collection method: clinical testing. Allele origin: germline.
Comment: For these reasons, this variant has been classified as Pathogenic. This variant disrupts a region of the SGSH protein in which other variant(s) (p.Trp479*) have been determined to be pathogenic (PMID: 21204211). This suggests that this is a clinically significant region of the protein, and that variants that disrupt it are likely to be disease-causing. ClinVar contains an entry for this variant (Variation ID: 619124). This variant has not been reported in the literature in individuals affected with SGSH-related conditions. This variant is not present in population databases (gnomAD no frequency). This sequence change creates a premature translational stop signal (p.Gln459*) in the SGSH gene. While this is not anticipated to result in nonsense mediated decay, it is expected to disrupt the last 44 amino acid(s) of the SGSH protein.

Diagnostics Division, CENTRE FOR DNA FINGERPRINTING AND DIAGNOSTICS
Classification: Likely pathogenic for Mucopolysaccharidosis, MPS-III-A. Review status: criteria provided, single submitter. Criteria: ACMG Guidelines, 2015. Collection method: research. Allele origin: germline. Inheritance: Autosomal recessive inheritance. Affected: yes. Observed: 1 homozygote.
Comment: Nonsense variant

Literature cited by the submitters: PubMed 21204211 (cited by Labcorp Genetics (formerly Invitae), Labcorp).

NM_000199.5(SGSH):c.1375C>T (p.Gln459Ter)

Gene: SGSH (N-sulfoglucosamine sulfohydrolase; minus strand). Cytogenetic location: 17q25.3.
Variant type: single nucleotide variant.
Coding change: c.1375C>T on transcript NM_000199.5 (MANE Select); coding-DNA position 1375, C replaced by T.
Protein change: p.Gln459Ter; replaces glutamine 459 with a stop codon.
Molecular consequence: nonsense. On other transcripts: 3 prime UTR variant (2), non-coding transcript variant (1).
Genome position (GRCh38, 1-based): chr17:80,210,586, G>A on the plus strand (C>T on the coding strand, the complement: SGSH is on the minus strand). VCF-style: chr17-80210586-G-A. GRCh37 (hg19) VCF-style: chr17-78184385-G-A.
Other names: c.*425C>T (NM_001352922.2); c.*462C>T (NM_001352921.3); short protein forms Q459*.
Identifiers: ClinVar variation 619124 (VCV000619124.12), dbSNP rs1567914459, ClinGen allele CA401358574.